The following is an entry in ClinVar:

NM_024757.5(EHMT1):c.955A>G (p.Ile319Val)

Gene: EHMT1 (euchromatic histone lysine methyltransferase 1; plus strand). Cytogenetic location: 9q34.3.
Variant type: single nucleotide variant.
Coding change: c.955A>G on transcript NM_024757.5 (MANE Select); coding-DNA position 955, A replaced by G.
Protein change: p.Ile319Val; replaces isoleucine 319 with valine.
Molecular consequence: missense variant.
Genome position (GRCh38, 1-based): chr9:137,743,502, A>G. VCF-style: chr9-137743502-A-G. GRCh37 (hg19) VCF-style: chr9-140637954-A-G.
Other names: c.955A>G, p.Ile319Val (NM_001145527.2, NM_001354611.2); c.862A>G, p.Ile288Val (NM_001354259.2, NM_001354612.2); c.934A>G, p.Ile312Val (NM_001354263.2); short protein forms I312V, I319V, I288V.
Identifiers: ClinVar variation 2767707 (VCV002767707.3), dbSNP rs908083992, ClinGen allele CA201820280.
Genomic context (GRCh38, chr9:137,743,502, plus strand): 5'-GTTCCTAAGAAAAAGACCAAAGTATTAAAACAGAGGACGGTGATTGAGATGTTTAAGAGC[A>G]TAACTCATTCCACTGTGGGTTCCAAGGTAAGAGACGCATTTGAGTGAGTTGCCACGTGTG-3'
Protein context (NP_079033.4, residues 309-329): QRTVIEMFKS[Ile319Val]THSTVGSKGE

ClinVar aggregate classification (germline): Uncertain significance (1 of 4 stars; one submission).

Conditions:
Kleefstra syndrome 1 (KLEFS1). Identifiers: Orphanet 261494, MedGen C0795833, MONDO:0027407, OMIM 610253.

Allele frequency attached by ClinVar (database versions not stated): TOPMed below 0.00001.

Submission:

Labcorp Genetics (formerly Invitae), Labcorp
Classification: Uncertain significance for Kleefstra syndrome 1. Last evaluated: 2023-10-12. Review status: criteria provided, single submitter. Criteria: Invitae Variant Classification Sherloc (09022015). Collection method: clinical testing. Allele origin: germline.
Comment: This sequence change replaces isoleucine, which is neutral and non-polar, with valine, which is neutral and non-polar, at codon 319 of the EHMT1 protein (p.Ile319Val). This variant is present in population databases (no rsID available, gnomAD 0.0009%). This variant has not been reported in the literature in individuals affected with EHMT1-related conditions. An algorithm developed to predict the effect of missense changes on protein structure and function (PolyPhen-2) suggests that this variant is likely to be tolerated. In summary, the available evidence is currently insufficient to determine the role of this variant in disease. Therefore, it has been classified as a Variant of Uncertain Significance.